The following is an entry in ClinVar:

ClinVar aggregate classification (germline): Uncertain significance. Review status: criteria provided, single submitter (1 of 4 stars). 2 submissions from 2 submitters: Uncertain significance (1). 1 of the submissions does not count toward it. Last evaluated 2022-01-14.

Conditions:
TBK1-related disorder. Also called: TBK1-related condition.
Frontotemporal dementia and/or amyotrophic lateral sclerosis 4. Also called: FTDALS4. Identifiers: Orphanet 275872, MedGen C4225325, MONDO:0014641, OMIM 616439.

Allele frequency attached by ClinVar (database versions not stated): ExAC 0.00001; gnomAD exomes 0.00001 and 0.00002; TOPMed 0.00002; gnomAD 0.00003.
gnomAD v4.1: 24 of 1,613,852 alleles (0.0015%); highest among the groups gnomAD compares: Non-Finnish European, 0.0018%; no homozygotes.

Submissions (2):

Labcorp Genetics (formerly Invitae), Labcorp
Classification: Uncertain significance for Frontotemporal dementia and/or amyotrophic lateral sclerosis 4. Last evaluated: 2022-01-14. Review status: criteria provided, single submitter. Criteria: Invitae Variant Classification Sherloc (09022015). Collection method: clinical testing. Allele origin: germline.
Comment: Advanced modeling of protein sequence and biophysical properties (such as structural, functional, and spatial information, amino acid conservation, physicochemical variation, residue mobility, and thermodynamic stability) performed at Invitae indicates that this missense variant is not expected to disrupt TBK1 protein function. In summary, the available evidence is currently insufficient to determine the role of this variant in disease. Therefore, it has been classified as a Variant of Uncertain Significance. ClinVar contains an entry for this variant (Variation ID: 654729). This sequence change replaces arginine, which is basic and polar, with cysteine, which is neutral and slightly polar, at codon 358 of the TBK1 protein (p.Arg358Cys). This variant is present in population databases (rs780192375, gnomAD 0.004%). This missense change has been observed in individual(s) with amyotrophic lateral sclerosis (PMID: 29398122).

PreventionGenetics, part of Exact Sciences
Classification: Uncertain significance for TBK1-related condition. Last evaluated: 2024-03-27. Review status: no assertion criteria provided. Collection method: clinical testing. Allele origin: germline. Not counted in ClinVar's aggregate classification.
Comment: The TBK1 c.1072C>T variant is predicted to result in the amino acid substitution p.Arg358Cys. This variant was reported in an individual with amyotrophic lateral sclerosis (Tohnai et al. 2018. PubMed ID: 29398122). This variant is reported in 0.0039% of alleles in individuals of European (Non-Finnish) descent in gnomAD. At this time, the clinical significance of this variant is uncertain due to the absence of conclusive functional and genetic evidence.

Literature cited by the submitters: PubMed 29398122 (cited by Labcorp Genetics (formerly Invitae), Labcorp).

NM_013254.4(TBK1):c.1072C>T (p.Arg358Cys)

Gene: TBK1 (TANK binding kinase 1; plus strand). Cytogenetic location: 12q14.2.
Variant type: single nucleotide variant.
Coding change: c.1072C>T on transcript NM_013254.4 (MANE Select); coding-DNA position 1072, C replaced by T.
Protein change: p.Arg358Cys; replaces arginine 358 with cysteine.
Molecular consequence: missense variant.
Genome position (GRCh38, 1-based): chr12:64,484,382, C>T. VCF-style: chr12-64484382-C-T. GRCh37 (hg19) VCF-style: chr12-64878162-C-T.
Other names: c.1072C>T, p.Arg358Cys (LRG_1306t1); short protein forms R358C.
Identifiers: ClinVar variation 654729 (VCV000654729.10), dbSNP rs780192375, ClinGen allele CA6668964.
Genomic context (GRCh38, chr12:64,484,382, plus strand): 5'-CTGGTATATAAACAAACCAAAATTATTTCTTCAAATCAAGAACTTATCTACGAAGGGCGA[C>T]GCTTAGTCTTAGAACCTGGAAGGCTGGCACAACATTTCCCTAAAACTACTGAGGAAAACC-3'
Protein context (NP_037386.1, residues 348-368): SNQELIYEGR[Arg358Cys]LVLEPGRLAQ